The following is an entry in ClinVar:

ClinVar aggregate classification (germline): Uncertain significance (1 of 4 stars; one submission).

Conditions:
Cortical dysplasia-focal epilepsy syndrome (PTHSL1). Also called: Pitt-Hopkins-like syndrome 1. Identifiers: Orphanet 163681, Orphanet 221150, MedGen C2750246, MONDO:0012400, OMIM 610042.

Allele frequency attached by ClinVar (database versions not stated): gnomAD exomes below 0.00001; ExAC 0.00001.
gnomAD v4.1: 4 of 1,614,164 alleles (0.00025%); highest among the groups gnomAD compares: East Asian, 0.0022%; no homozygotes.

Submission:

Neuberg Centre For Genomic Medicine, NCGM
Classification: Uncertain significance for Cortical dysplasia-focal epilepsy syndrome. Review status: criteria provided, single submitter. Criteria: ACMG Guidelines, 2015. Collection method: clinical testing. Allele origin: germline. Inheritance: Autosomal recessive inheritance. Affected: yes.
Comment: The missense c.2014A>G(p.Ile672Val) variant in CNTNAP2 gene has not been reported previously as a pathogenic variant nor as a benign variant, to our knowledge. This variant is absent in gnomAD Exomes and 1000 Genomes. The amino acid Ile at position 672 is changed to a Val changing protein sequence and it might alter its composition and physico-chemical properties. The amino acid change p.Ile672Val in CNTNAP2 is predicted as conserved by GERP++ and PhyloP across 100 vertebrates. For these reasons, this variant has been classified as Uncertain Significance.

NM_014141.6(CNTNAP2):c.2014A>G (p.Ile672Val)

Gene: CNTNAP2 (contactin associated protein 2; plus strand). Cytogenetic location: 7q35.
Variant type: single nucleotide variant.
Coding change: c.2014A>G on transcript NM_014141.6 (MANE Select); coding-DNA position 2014, A replaced by G.
Protein change: p.Ile672Val; replaces isoleucine 672 with valine.
Molecular consequence: missense variant.
Genome position (GRCh38, 1-based): chr7:147,639,222, A>G. VCF-style: chr7-147639222-A-G. GRCh37 (hg19) VCF-style: chr7-147336314-A-G.
Other names: short protein forms I672V.
Identifiers: ClinVar variation 3241975 (VCV003241975.1), dbSNP rs778334818.
Genomic context (GRCh38, chr7:147,639,222, plus strand): 5'-GGCTACAACCCAGAAAAATACTCAGTGACACAGCTCGTTTACAGCGCCTCCATGGACCAG[A>G]TAAGTGCCATCACTGACAGTGCCGAGTACTGCGAGCAGTATGTCTCCTATTTCTGCAAGA-3'
Protein context (NP_054860.1, residues 662-682): QLVYSASMDQ[Ile672Val]SAITDSAEYC